The following is an entry in ClinVar:

ClinVar aggregate classification (germline): Uncertain significance (0 of 4 stars; one submission).

Conditions:
ALMS1-related disorder. Also called: ALMS1-related condition.

Submission:

PreventionGenetics, part of Exact Sciences
Classification: Uncertain significance for ALMS1-related condition. Last evaluated: 2024-02-28. Review status: no assertion criteria provided. Collection method: clinical testing. Allele origin: germline.
Comment: The ALMS1 c.3760_4044del285 variant is predicted to result in an in-frame deletion (p.Asp1254_Pro1348del). To our knowledge, this deletion of 285 nucleotides within exon 8 has not been reported in literature or public databases. The resulting deletion of 95 amino acids is located within a region enriched with tandem repeats (amino acids 540-2,201) in the ALMS1 protein, making it difficult to predict the effect of this deletion (Tsai et al. 2018. PubMed ID: 29720996, Figure 2A). Although we suspect that this variant may be pathogenic, at this time, the clinical significance of this variant is uncertain due to the absence of conclusive functional and genetic evidence.

NM_001378454.1(ALMS1):c.3763_4047del (p.Asp1255_Pro1349del)

Gene: ALMS1 (ALMS1 centrosome and basal body associated protein; plus strand). Cytogenetic location: 2p13.1.
Variant type: Deletion.
Coding change: c.3763_4047del on transcript NM_001378454.1 (MANE Select); coding-DNA positions 3763 to 4047, 285 bases deleted.
Protein change: p.Asp1255_Pro1349del.
Molecular consequence: inframe deletion.
Genome position (GRCh38, 1-based): chr2:73,450,290-73,450,574, 285 bases deleted. GRCh37 (hg19): chr2:73,677,417-73,677,701.
Other names: c.3766_4050del, p.Asp1256_Pro1350del (NM_015120.4); c.3760_4044del285 (NM_015120.4).
Identifiers: ClinVar variation 3348734 (VCV003348734.1).